The following is an entry in ClinVar:

NM_000169.3(GLA):c.739T>C (p.Ser247Pro)

Genes: GLA (galactosidase alpha; minus strand), RPL36A-HNRNPH2 (RPL36A-HNRNPH2 readthrough; plus strand). Cytogenetic location: Xq22.1.
Variant type: single nucleotide variant.
Coding change: c.739T>C on transcript NM_000169.3 (MANE Select); coding-DNA position 739, T replaced by C.
Protein change: p.Ser247Pro; replaces serine 247 with proline.
Molecular consequence: missense variant. On other transcripts: non-coding transcript variant (3), intron variant (2).
Genome position (GRCh38, 1-based): chrX:101,398,847, A>G on the plus strand (T>C on the coding strand, the complement: GLA is on the minus strand). VCF-style: chrX-101398847-A-G. GRCh37 (hg19) VCF-style: chrX-100653835-A-G.
Other names: c.862T>C, p.Ser288Pro (NM_001406747.1); c.739T>C, p.Ser247Pro (NM_001406748.1); c.300+3390A>G (NM_001199973.2); c.177+7025A>G (NM_001199974.2); short protein forms S247P, S288P.
Identifiers: ClinVar variation 4087491 (VCV004087491.2), dbSNP rs869312393.

ClinVar aggregate classification (germline): Likely pathogenic (1 of 4 stars; one submission).

Conditions:
Fabry disease. Also called: ALPHA-GALACTOSIDASE A DEFICIENCY; ANDERSON-FABRY DISEASE; CERAMIDE TRIHEXOSIDASE DEFICIENCY; GLA DEFICIENCY; HEREDITARY DYSTOPIC LIPIDOSIS; Angiokeratoma corporis diffusum. Identifiers: Orphanet 324, MedGen C0002986, MONDO:0010526, OMIM 301500, HP:0001071. Disease mechanism: Fabry disease is due to inactivating mutations in the X-linked GLA gene resulting in deficiency of the enzyme Alpha Galactosidase-A., loss of function.

Submission:

Genomenon, Inc
Classification: Likely pathogenic for Fabry disease. Last evaluated: 2026-09-08. Review status: criteria provided, single submitter. Criteria: Genomenon Sequence Variant Interpretation Standards - Updated. Collection method: curation. Allele origin: germline. Affected: yes.
Comment: GLA p.Ser247Pro (c.739T>C) is a missense variant that changes the amino acid at codon 247 from Serine to Proline. This variant has been observed in at least one proband with clinical features consistent with Fabry disease (PMID:26415523;34917096;30159316;30385651;39980015;31587315;36569886;11322659). At least one functional study has demonstrated a substantial alteration in protein function relative to the wild-type (PMID:32023956;26415523;27657681). It is absent or not present at a significant frequency in gnomAD. In silico models predict that this variant is possibly or probably damaging. In conclusion, we classify GLA p.Ser247Pro (c.739T>C) as a likely pathogenic variant.

Literature cited by the submitters: PubMed 26415523; PubMed 34917096; PubMed 30159316; PubMed 30385651; PubMed 39980015; PubMed 31587315; PubMed 36569886; PubMed 11322659; PubMed 32023956; PubMed 27657681.